The following is an entry in ClinVar:

ClinVar aggregate classification (germline): Conflicting classifications of pathogenicity. Review status: criteria provided, conflicting classifications (1 of 4 stars). 4 submissions from 4 submitters: Uncertain significance (1); Likely benign (3). Last evaluated 2026-08-07.

Conditions:
Cardiovascular phenotype. Identifiers: MedGen CN230736.
Duchenne muscular dystrophy (DMD). Also called: MUSCULAR DYSTROPHY, PSEUDOHYPERTROPHIC PROGRESSIVE, DUCHENNE TYPE; Duchenne Muscular Dystrophy (DMD). Identifiers: Orphanet 98896, MedGen C0013264, MONDO:0010679, OMIM 310200.

Allele frequency attached by ClinVar (database versions not stated): gnomAD exomes below 0.00001 and 0.00001; ExAC 0.00002; gnomAD 0.00002; TOPMed 0.00003.
gnomAD v4.1: 9 of 1,207,687 alleles (0.00075%); highest among the groups gnomAD compares: Middle Eastern, 0.023%; no homozygotes.

Submissions (4):

Ambry Genetics
Classification: Likely benign for Cardiovascular phenotype. Last evaluated: 2026-08-07. Review status: criteria provided, single submitter. Criteria: Ambry Variant Classification Scheme 2023. Collection method: clinical testing. Allele origin: germline.

CeGaT Center for Human Genetics Tuebingen
Classification: Likely benign. Last evaluated: 2026-01-01. Review status: criteria provided, single submitter. Criteria: CeGaT Center For Human Genetics Tuebingen Variant Classification Criteria Version 2. Collection method: clinical testing. Allele origin: germline. Affected: yes. Observed: 1 variant allele.
Comment: DMD: BP4, BS2

Labcorp Genetics (formerly Invitae), Labcorp
Classification: Likely benign for Duchenne muscular dystrophy. Last evaluated: 2025-06-07. Review status: criteria provided, single submitter. Criteria: Invitae Variant Classification Sherloc (09022015). Collection method: clinical testing. Allele origin: germline.

Athena Diagnostics
Classification: Uncertain significance. Last evaluated: 2019-06-30. Review status: criteria provided, single submitter. Criteria: Athena Diagnostics Criteria. Collection method: clinical testing. Allele origin: germline.

Literature cited by the submitters: PubMed 27350676 (cited by Ambry Genetics and Athena Diagnostics).

NM_004006.3(DMD):c.8015G>A (p.Ser2672Asn)

Gene: DMD (dystrophin; minus strand). Cytogenetic location: Xp21.1.
Variant type: single nucleotide variant.
Coding change: c.8015G>A on transcript NM_004006.3 (MANE Select); coding-DNA position 8015, G replaced by A.
Protein change: p.Ser2672Asn; replaces serine 2672 with asparagine.
Molecular consequence: missense variant.
Genome position (GRCh38, 1-based): chrX:31,658,002, C>T on the plus strand (G>A on the coding strand, the complement: DMD is on the minus strand). VCF-style: chrX-31658002-C-T. GRCh37 (hg19) VCF-style: chrX-31676119-C-T.
Other names: c.7991G>A, p.Ser2664Asn (NM_000109.4); c.8003G>A, p.Ser2668Asn (NM_004009.3); c.7646G>A, p.Ser2549Asn (NM_004010.3); c.3992G>A, p.Ser1331Asn (NM_004011.4); c.3983G>A, p.Ser1328Asn (NM_004012.4); c.635G>A, p.Ser212Asn (NM_004013.3, NM_004020.4, NM_004021.3 and 2 more transcripts); short protein forms S2672N, S1328N, S1331N, S212N, S2549N, S2664N, S2668N.
Identifiers: ClinVar variation 804748 (VCV000804748.15), dbSNP rs771081514, ClinGen allele CA10378171.